The following is an entry in ClinVar:

ClinVar aggregate classification (germline): Uncertain significance (1 of 4 stars; one submission).

Conditions:
Common variable immunodeficiency (CVID). Also called: Common variable hypogamma-globulinemia; Common variable agammaglobulinemia. Identifiers: Orphanet 1572, MedGen C0009447, MONDO:0015517.

Submission:

Labcorp Genetics (formerly Invitae), Labcorp
Classification: Uncertain significance for Common variable immunodeficiency. Last evaluated: 2023-03-20. Review status: criteria provided, single submitter. Criteria: Invitae Variant Classification Sherloc (09022015). Collection method: clinical testing. Allele origin: germline.
Comment: Algorithms developed to predict the effect of missense changes on protein structure and function output the following: SIFT: "Not Available"; PolyPhen-2: "Not Available"; Align-GVGD: "Not Available". The threonine amino acid residue is found in multiple mammalian species, which suggests that this missense change does not adversely affect protein function. In summary, the available evidence is currently insufficient to determine the role of this variant in disease. Therefore, it has been classified as a Variant of Uncertain Significance. ClinVar contains an entry for this variant (Variation ID: 1039776). This variant has not been reported in the literature in individuals affected with TNFSF12-related conditions. This variant is not present in population databases (gnomAD no frequency). This sequence change replaces alanine, which is neutral and non-polar, with threonine, which is neutral and polar, at codon 52 of the TNFSF12 protein (p.Ala52Thr).

NM_003809.3(TNFSF12):c.154G>A (p.Ala52Thr)

Genes: TNFSF12 (TNF superfamily member 12; plus strand), TNFSF12-TNFSF13 (TNFSF12-TNFSF13 readthrough; plus strand). Cytogenetic location: 17p13.1.
Variant type: single nucleotide variant.
Coding change: c.154G>A on transcript NM_003809.3 (MANE Select); coding-DNA position 154, G replaced by A.
Protein change: p.Ala52Thr; replaces alanine 52 with threonine.
Molecular consequence: missense variant. On other transcripts: non-coding transcript variant (1).
Genome position (GRCh38, 1-based): chr17:7,549,307, G>A. VCF-style: chr17-7549307-G-A. GRCh37 (hg19) VCF-style: chr17-7452624-G-A.
Other names: c.154G>A, p.Ala52Thr (NM_172089.4); short protein forms A52T.
Identifiers: ClinVar variation 1039776 (VCV001039776.9), dbSNP rs2070971587, ClinGen allele CA397854517.
Genomic context (GRCh38, chr17:7,549,307, plus strand): 5'-CTGGCCTGCCTCGGCCTCCTGCTGGCCGTGGTCAGTTTGGGGAGCCGGGCATCGCTGTCC[G>A]CCCAGGTGAGGCCCCGCTGCGCACCCCTTCTTGGGCACATCAGGAGCTGAGACTGCAGAG-3'
Protein context (NP_003800.1, residues 42-62): VSLGSRASLS[Ala52Thr]QEPAQEELVA